The following is an entry in ClinVar:

NM_021942.6(TRAPPC11):c.2744C>G (p.Thr915Arg)

Gene: TRAPPC11 (trafficking protein particle complex subunit 11; plus strand). Cytogenetic location: 4q35.1.
Variant type: single nucleotide variant.
Coding change: c.2744C>G on transcript NM_021942.6 (MANE Select); coding-DNA position 2744, C replaced by G.
Protein change: p.Thr915Arg; replaces threonine 915 with arginine.
Molecular consequence: missense variant.
Genome position (GRCh38, 1-based): chr4:183,697,728, C>G. VCF-style: chr4-183697728-C-G. GRCh37 (hg19) VCF-style: chr4-184618881-C-G.
Other names: c.2744C>G, p.Thr915Arg (NM_199053.3); short protein forms T915R.
Identifiers: ClinVar variation 474358 (VCV000474358.7), dbSNP rs200936990, ClinGen allele CA358873114.

ClinVar aggregate classification (germline): Uncertain significance (1 of 4 stars; one submission).

Conditions:
Autosomal recessive limb-girdle muscular dystrophy type R18 (LGMDR18). Also called: MUSCULAR DYSTROPHY, LIMB-GIRDLE, AUTOSOMAL RECESSIVE 18; Autosomal recessive limb-girdle muscular dystrophy type 2S; Limb-girdle muscular dystrophy, type 2S. Identifiers: Orphanet 369840, MedGen C4517996, MONDO:0014144, OMIM 615356.

Submission:

Labcorp Genetics (formerly Invitae), Labcorp
Classification: Uncertain significance for Autosomal recessive limb-girdle muscular dystrophy type R18. Last evaluated: 2016-10-10. Review status: criteria provided, single submitter. Criteria: Invitae Variant Classification Sherloc (09022015). Collection method: clinical testing. Allele origin: germline.
Comment: This sequence change replaces threonine with arginine at codon 915 of the TRAPPC11 protein (p.Thr915Arg). The threonine residue is moderately conserved and there is a moderate physicochemical difference between threonine and arginine. This variant is not present in population databases (ExAC no frequency) and has not been reported in the literature in individuals with a TRAPPC11-related disease. Algorithms developed to predict the effect of missense changes on protein structure and function do not agree on the potential impact of this missense change (SIFT: "Deleterious"; PolyPhen-2: "Probably Damaging"; Align-GVGD: "Class C15"). In summary, this variant is a novel missense change with uncertain impact on protein function. It has been classified as a Variant of Uncertain Significance.